The following is an entry in ClinVar:

NM_001378778.1(MPDZ):c.734C>G (p.Ala245Gly)

Gene: MPDZ (multiple PDZ domain crumbs cell polarity complex component; minus strand). Cytogenetic location: 9p23.
Variant type: single nucleotide variant.
Coding change: c.734C>G on transcript NM_001378778.1 (MANE Select); coding-DNA position 734, C replaced by G.
Protein change: p.Ala245Gly; replaces alanine 245 with glycine.
Molecular consequence: missense variant.
Genome position (GRCh38, 1-based): chr9:13,222,246, G>C on the plus strand (C>G on the coding strand, the complement: MPDZ is on the minus strand). VCF-style: chr9-13222246-G-C. GRCh37 (hg19) VCF-style: chr9-13222245-G-C.
Other names: c.734C>G, p.Ala245Gly (NM_001261406.2, NM_001261407.2, NM_001330637.2 and 14 more transcripts); short protein forms A245G.
Identifiers: ClinVar variation 1390991 (VCV001390991.6), dbSNP rs2136302060, ClinGen allele CA372946600.

ClinVar aggregate classification (germline): Uncertain significance (1 of 4 stars; one submission).

Allele frequency attached by ClinVar (database versions not stated): gnomAD exomes below 0.00001.
gnomAD v4.1: 1 of 1,612,344 alleles (0.000062%); highest among the groups gnomAD compares: Non-Finnish European, 0.000085%; no homozygotes.

Submission:

Labcorp Genetics (formerly Invitae), Labcorp
Classification: Uncertain significance. Last evaluated: 2021-11-03. Review status: criteria provided, single submitter. Criteria: Invitae Variant Classification Sherloc (09022015). Collection method: clinical testing. Allele origin: germline.
Comment: In summary, the available evidence is currently insufficient to determine the role of this variant in disease. Therefore, it has been classified as a Variant of Uncertain Significance. Algorithms developed to predict the effect of sequence changes on RNA splicing suggest that this variant may create or strengthen a splice site. Algorithms developed to predict the effect of missense changes on protein structure and function (SIFT, PolyPhen-2, Align-GVGD) all suggest that this variant is likely to be disruptive. This variant has not been reported in the literature in individuals affected with MPDZ-related conditions. This variant is not present in population databases (gnomAD no frequency). This sequence change replaces alanine, which is neutral and non-polar, with glycine, which is neutral and non-polar, at codon 245 of the MPDZ protein (p.Ala245Gly).